The following is an entry in ClinVar:

NM_021813.4(BACH2):c.469G>A (p.Glu157Lys)

Gene: BACH2 (BACH transcriptional regulator 2; minus strand). Cytogenetic location: 6q15.
Variant type: single nucleotide variant.
Coding change: c.469G>A on transcript NM_021813.4 (MANE Select); coding-DNA position 469, G replaced by A.
Protein change: p.Glu157Lys; replaces glutamic acid 157 with lysine.
Molecular consequence: missense variant.
Genome position (GRCh38, 1-based): chr6:89,951,637, C>T on the plus strand (G>A on the coding strand, the complement: BACH2 is on the minus strand). VCF-style: chr6-89951637-C-T. GRCh37 (hg19) VCF-style: chr6-90661356-C-T.
Other names: c.469G>A, p.Glu157Lys (NM_001170794.2); c.469G>A (NM_021813.3); short protein forms E157K.
Identifiers: ClinVar variation 2042862 (VCV002042862.31), dbSNP rs138868869, ClinGen allele CA3928164.

ClinVar aggregate classification (germline): Conflicting classifications of pathogenicity. Review status: criteria provided, conflicting classifications (1 of 4 stars). 5 submissions from 5 submitters: Uncertain significance (3); Likely benign (2). Last evaluated 2026-01-11.

Conditions:
BACH2-related disorder. Also called: BACH2-related condition.

Allele frequency attached by ClinVar (database versions not stated): gnomAD exomes 0.00004; ExAC 0.00008; gnomAD 0.00009; ESP Exome Variant Server 0.00015; TOPMed 0.00020.
gnomAD v4.1: 77 of 1,614,110 alleles (0.0048%); highest among the groups gnomAD compares: African/African-American, 0.035%; no homozygotes.

Submissions (5):

Labcorp Genetics (formerly Invitae), Labcorp
Classification: Uncertain significance. Last evaluated: 2026-01-11. Review status: criteria provided, single submitter. Criteria: Invitae Variant Classification Sherloc (09022015). Collection method: clinical testing. Allele origin: germline.
Comment: This sequence change replaces glutamic acid, which is acidic and polar, with lysine, which is basic and polar, at codon 157 of the BACH2 protein (p.Glu157Lys). This variant is present in population databases (rs138868869, gnomAD 0.03%). This variant has not been reported in the literature in individuals affected with BACH2-related conditions. ClinVar contains an entry for this variant (Variation ID: 2042862). An algorithm developed to predict the effect of missense changes on protein structure and function (PolyPhen-2) suggests that this variant is likely to be tolerated. In summary, the available evidence is currently insufficient to determine the role of this variant in disease. Therefore, it has been classified as a Variant of Uncertain Significance.

PreventionGenetics, part of Exact Sciences
Classification: Uncertain significance for BACH2-related condition. Last evaluated: 2024-11-22. Review status: criteria provided, single submitter. Criteria: ACMG Guidelines, 2015. Collection method: clinical testing. Allele origin: germline.
Comment: The BACH2 c.469G>A variant is predicted to result in the amino acid substitution p.Glu157Lys. To our knowledge, this variant has not been reported in the literature. This variant is reported in 0.043% of alleles in individuals of African descent in gnomAD. Although we suspect that this variant may be benign, at this time, the clinical significance of this variant is uncertain due to the absence of conclusive functional and genetic evidence.

Blueprint Genetics
Classification: Likely benign. Last evaluated: 2023-11-28. Review status: criteria provided, single submitter. Criteria: ACMG Guidelines, 2015. Collection method: clinical testing. Allele origin: germline.

CeGaT Center for Human Genetics Tuebingen
Classification: Likely benign. Last evaluated: 2023-10-01. Review status: criteria provided, single submitter. Criteria: CeGaT Center For Human Genetics Tuebingen Variant Classification Criteria Version 2. Collection method: clinical testing. Allele origin: germline. Affected: yes. Observed: 1 variant allele.
Comment: BACH2: BP4

Ambry Genetics
Classification: Uncertain significance. Last evaluated: 2022-08-02. Review status: criteria provided, single submitter. Criteria: Ambry Variant Classification Scheme 2023. Collection method: clinical testing. Allele origin: germline.